The following is an entry in ClinVar:

NM_000551.4(VHL):c.178C>T (p.Arg60Trp)

Gene: VHL (von Hippel-Lindau tumor suppressor; plus strand). Cytogenetic location: 3p25.3.
Variant type: single nucleotide variant.
Coding change: c.178C>T on transcript NM_000551.4 (MANE Select); coding-DNA position 178, C replaced by T.
Protein change: p.Arg60Trp; replaces arginine 60 with tryptophan.
Molecular consequence: missense variant.
Genome position (GRCh38, 1-based): chr3:10,142,025, C>T. VCF-style: chr3-10142025-C-T. GRCh37 (hg19) VCF-style: chr3-10183709-C-T.
Other names: c.178C>T, p.Arg60Trp (NM_001354723.2, NM_198156.3); short protein forms R60W.
Identifiers: ClinVar variation 969296 (VCV000969296.10), dbSNP rs1035077469, ClinGen allele CA351748669.

ClinVar aggregate classification (germline): Uncertain significance (1 of 4 stars; one submission).

Conditions:
Chuvash polycythemia. Also called: POLYCYTHEMIA, VHL-DEPENDENT. Identifiers: Orphanet 238557, MedGen C1837915, MONDO:0009892, OMIM 263400.
Von Hippel-Lindau syndrome (VHLS). Also called: von Hippel–Lindau syndrome; VHL syndrome; Von Hippel-Lindau. Identifiers: Orphanet 892, MedGen C0019562, MONDO:0008667, OMIM 193300. Disease mechanism: loss of function.

Submission:

Labcorp Genetics (formerly Invitae), Labcorp
Classification: Uncertain significance for Von Hippel-Lindau syndrome; Chuvash polycythemia. Last evaluated: 2020-12-03. Review status: criteria provided, single submitter. Criteria: Invitae Variant Classification Sherloc (09022015). Collection method: clinical testing. Allele origin: germline.
Comment: In summary, the available evidence is currently insufficient to determine the role of this variant in disease. Therefore, it has been classified as a Variant of Uncertain Significance. Algorithms developed to predict the effect of missense changes on protein structure and function (SIFT, PolyPhen-2, Align-GVGD) all suggest that this variant is likely to be tolerated, but these predictions have not been confirmed by published functional studies and their clinical significance is uncertain. This variant has not been reported in the literature in individuals with VHL-related conditions. This variant is not present in population databases (ExAC no frequency). This sequence change replaces arginine with tryptophan at codon 60 of the VHL protein (p.Arg60Trp). The arginine residue is moderately conserved and there is a moderate physicochemical difference between arginine and tryptophan.